The following is an entry in ClinVar:

NM_001276345.2(TNNT2):c.571A>T (p.Met191Leu)

Gene: TNNT2 (troponin T2, cardiac type; minus strand). Cytogenetic location: 1q32.1.
Variant type: single nucleotide variant.
Coding change: c.571A>T on transcript NM_001276345.2 (MANE Select); coding-DNA position 571, A replaced by T.
Protein change: p.Met191Leu; replaces methionine 191 with leucine.
Molecular consequence: missense variant.
Genome position (GRCh38, 1-based): chr1:201,363,325, T>A on the plus strand (A>T on the coding strand, the complement: TNNT2 is on the minus strand). VCF-style: chr1-201363325-T-A. GRCh37 (hg19) VCF-style: chr1-201332453-T-A.
Other names: c.571A>T, p.Met191Leu (NM_000364.4, NM_001406723.1); c.541A>T, p.Met181Leu (NM_001001430.3, NM_001001431.3, NM_001276347.2 and 3 more transcripts); c.526A>T, p.Met176Leu (NM_001001432.3, NM_001406728.1); c.451A>T, p.Met151Leu (NM_001276346.2); c.538A>T, p.Met180Leu (NM_001406725.1); short protein forms M176L, M181L, M191L, M180L, M151L.
Identifiers: ClinVar variation 2921425 (VCV002921425.3), dbSNP rs2526974835, ClinGen allele CA344204337.

ClinVar aggregate classification (germline): Uncertain significance (1 of 4 stars; one submission).

Conditions:
Cardiomyopathy, familial restrictive, 3. Identifiers: Orphanet 75249, MedGen C2676271, MONDO:0012900, OMIM 612422.
Hypertrophic cardiomyopathy 2. Also called: TNNT2-Related Familial Hypertrophic Cardiomyopathy. Identifiers: MedGen C1861864, MONDO:0007266, OMIM 115195.
Dilated cardiomyopathy 1D. Identifiers: Orphanet 154, Orphanet 54260, MedGen C1832243, MONDO:0011095, OMIM 601494.

Submission:

Labcorp Genetics (formerly Invitae), Labcorp
Classification: Uncertain significance for Cardiomyopathy, familial restrictive, 3; Hypertrophic cardiomyopathy 2; Dilated cardiomyopathy 1D. Last evaluated: 2026-02-02. Review status: criteria provided, single submitter. Criteria: Invitae Variant Classification Sherloc (09022015). Collection method: clinical testing. Allele origin: germline.
Comment: This sequence change replaces methionine, which is neutral and non-polar, with leucine, which is neutral and non-polar, at codon 181 of the TNNT2 protein (p.Met181Leu). This variant is not present in population databases (gnomAD no frequency). This missense change has been observed in individual(s) with hypertrophic cardiomyopathy (internal data). ClinVar contains an entry for this variant (Variation ID: 2921425). Invitae Evidence Modeling of protein sequence and biophysical properties (such as structural, functional, and spatial information, amino acid conservation, physicochemical variation, residue mobility, and thermodynamic stability) indicates that this missense variant is not expected to disrupt TNNT2 protein function with a negative predictive value of 80%. In summary, the available evidence is currently insufficient to determine the role of this variant in disease. Therefore, it has been classified as a Variant of Uncertain Significance.